The following is an entry in ClinVar:

ClinVar aggregate classification (germline): Uncertain significance (1 of 4 stars; one submission).

Conditions:
Galactosylceramide beta-galactosidase deficiency. Also called: Krabbe Disease; Leukodystrophy, Globoid Cell; GALACTOCEREBROSIDASE DEFICIENCY; GALC DEFICIENCY; GLOBOID CELL LEUKOENCEPHALOPATHY. Identifiers: Orphanet 487, MedGen C0023521, MONDO:0009499, OMIM 245200.

Allele frequency attached by ClinVar (database versions not stated): gnomAD exomes below 0.00001; gnomAD 0.00002 and 0.00003; TOPMed 0.00002.
gnomAD v4.1: 5 of 1,613,820 alleles (0.00031%); highest among the groups gnomAD compares: African/African-American, 0.0053%; no homozygotes.

Submission:

Baylor Genetics
Classification: Uncertain significance for Galactosylceramide beta-galactosidase deficiency. Last evaluated: 2020-11-25. Review status: criteria provided, single submitter. Criteria: ACMG Guidelines, 2015. Collection method: clinical testing. Allele origin: paternal. Affected: yes.
Comment: This variant was determined to be of uncertain significance according to ACMG Guidelines, 2015 [PMID:25741868].

NM_000153.4(GALC):c.839A>G (p.Asn280Ser)

Gene: GALC (galactosylceramidase; minus strand). Cytogenetic location: 14q31.3.
Variant type: single nucleotide variant.
Coding change: c.839A>G on transcript NM_000153.4 (MANE Select); coding-DNA position 839, A replaced by G.
Protein change: p.Asn280Ser; replaces asparagine 280 with serine.
Molecular consequence: missense variant.
Genome position (GRCh38, 1-based): chr14:87,968,404, T>C on the plus strand (A>G on the coding strand, the complement: GALC is on the minus strand). VCF-style: chr14-87968404-T-C. GRCh37 (hg19) VCF-style: chr14-88434748-T-C.
Other names: c.770A>G, p.Asn257Ser (NM_001201401.2); c.761A>G, p.Asn254Ser (NM_001201402.2); short protein forms N254S, N280S, N257S.
Identifiers: ClinVar variation 1028104 (VCV001028104.1), dbSNP rs1463589873, ClinGen allele CA390747923.